The following is an entry in ClinVar:

ClinVar aggregate classification (germline): Conflicting classifications of pathogenicity. Review status: criteria provided, conflicting classifications (1 of 4 stars). 8 submissions from 8 submitters: Pathogenic (2); Likely pathogenic (3); Uncertain significance (1). 2 of the submissions do not count toward it. Last evaluated 2025-10-14.

Conditions:
GINS1-related disorder. Also called: GINS1-related condition.
Combined immunodeficiency due to GINS1 deficiency. Also called: IMMUNODEFICIENCY 55. Identifiers: Orphanet 505227, MedGen C5568132, MONDO:0044725, OMIM 617827.

Allele frequency attached by ClinVar (database versions not stated): TOPMed 0.00033; 1000 Genomes Project 0.00040; ESP Exome Variant Server 0.00046; 1000 Genomes Project 30x 0.00047; gnomAD 0.00064 and 0.00066; gnomAD exomes 0.00089; ExAC 0.00094.

Submissions (8):

Labcorp Genetics (formerly Invitae), Labcorp
Classification: Uncertain significance. Last evaluated: 2025-10-14. Review status: criteria provided, single submitter. Criteria: Invitae Variant Classification Sherloc (09022015). Collection method: clinical testing. Allele origin: germline.
Comment: This sequence change replaces arginine, which is basic and polar, with cysteine, which is neutral and slightly polar, at codon 83 of the GINS1 protein (p.Arg83Cys). This variant is present in population databases (rs137901350, gnomAD 0.4%), and has an allele count higher than expected for a pathogenic variant. This missense change has been observed in individual(s) with immunodeficiency and short stature (PMID: 28414293, 31630891). It has also been observed to segregate with disease in related individuals. ClinVar contains an entry for this variant (Variation ID: 487511). An algorithm developed to predict the effect of missense changes on protein structure and function (PolyPhen-2) suggests that this variant is likely to be disruptive. Experimental studies have shown that this missense change affects GINS1 function (PMID: 28414293). In summary, the available evidence is currently insufficient to determine the role of this variant in disease. Therefore, it has been classified as a Variant of Uncertain Significance.

Center for Genomic Medicine, Rigshospitalet, Copenhagen University Hospital
Classification: Likely pathogenic. Last evaluated: 2025-03-04. Review status: criteria provided, single submitter. Criteria: ACMG Guidelines, 2015. Collection method: clinical testing. Allele origin: germline.

Blueprint Genetics
Classification: Pathogenic for GINS1-related disorders. Last evaluated: 2024-09-12. Review status: criteria provided, single submitter. Criteria: ACMG Guidelines, 2015. Collection method: clinical testing. Allele origin: germline. Affected: yes. Observed: 5 variant alleles.

CeGaT Center for Human Genetics Tuebingen
Classification: Pathogenic. Last evaluated: 2021-02-01. Review status: criteria provided, single submitter. Criteria: CeGaT Center For Human Genetics Tuebingen Variant Classification Criteria Version 2. Collection method: clinical testing. Allele origin: germline. Affected: yes. Observed: 4 variant alleles.

SIB Swiss Institute of Bioinformatics
Classification: Likely pathogenic for Combined immunodeficiency due to GINS1 deficiency. Last evaluated: 2018-10-15. Review status: criteria provided, single submitter. Criteria: ACMG Guidelines, 2015. Collection method: curation. Allele origin: unknown.
Comment: This variant is interpreted as Likely Pathogenic, for Immunodeficiency 55, autosomal recessive. The following ACMG Tag(s) were applied: PM2 => Absent from controls (or at extremely low frequency if recessive) in Exome Sequencing Project, 1000 Genomes Project, or Exome Aggregation Consortium. PP1 => Cosegregation with disease in multiple affected family members in a gene definitively known to cause the disease (PubMed 28414293). PP3 => Multiple lines of computational evidence support a deleterious effect on the gene or gene product. PS3 => Well-established functional studies show a deleterious effect (PubMed 28414293). PM3-Supporting => PM3 downgraded in strength to Supporting (PubMed 28414293).

Baylor Genetics
Classification: Likely pathogenic for Combined immunodeficiency due to GINS1 deficiency. Last evaluated: 2018-03-21. Review status: criteria provided, single submitter. Criteria: ACMG Guidelines, 2015. Collection method: clinical testing. Allele origin: maternal. Affected: yes.
Comment: This variant was determined to be likely pathogenic according to ACMG Guidelines, 2015 [PMID:25741868]. This variant has been previously reported as compound heterozygous in three families with autosomal recessive growth retardation along with neutropenia and NK cell deficiency and was shown to impair GINS complex formation by functional study [PMID 28414293]

PreventionGenetics, part of Exact Sciences
Classification: Pathogenic for GINS1-related condition. Last evaluated: 2024-09-05. Review status: no assertion criteria provided. Collection method: clinical testing. Allele origin: germline. Not counted in ClinVar's aggregate classification.
Comment: The GINS1 c.247C>T variant is predicted to result in the amino acid substitution p.Arg83Cys. This variant has been reported in individuals with autosomal recessive growth retardation (Cottineau et al. 2017. PubMed ID: 28414293). This variant has also been reported in an individual with a complex immune phenotype (Table E3, Similuk et al. 2022. PubMed ID: 35753512). This variant is reported in 0.42% of alleles in individuals of European (Finnish) descent in gnomAD and is classified as pathogenic or likely pathogenic by multiple independent submitters to the ClinVar database. This variant is interpreted as pathogenic.

OMIM
Classification: Pathogenic for IMMUNODEFICIENCY 55. Last evaluated: 2018-01-10. Review status: no assertion criteria provided. Collection method: literature only. Allele origin: germline. Not counted in ClinVar's aggregate classification.

Literature cited by the submitters: PubMed 28414293 (cited by 5 submitters); PubMed 31630891 (cited by Labcorp Genetics (formerly Invitae), Labcorp).

NM_021067.5(GINS1):c.247C>T (p.Arg83Cys)

Gene: GINS1 (GINS complex subunit 1; plus strand). Cytogenetic location: 20p11.21.
Variant type: single nucleotide variant.
Coding change: c.247C>T on transcript NM_021067.5 (MANE Select); coding-DNA position 247, C replaced by T.
Protein change: p.Arg83Cys; replaces arginine 83 with cysteine.
Molecular consequence: missense variant. On other transcripts: non-coding transcript variant (1).
Genome position (GRCh38, 1-based): chr20:25,418,112, C>T. VCF-style: chr20-25418112-C-T. GRCh37 (hg19) VCF-style: chr20-25398748-C-T.
Other names: c.247C>T (NM_021067.4); short protein forms R83C.
Identifiers: ClinVar variation 487511 (VCV000487511.48), dbSNP rs137901350, ClinGen allele CA9796490.